The following is an entry in ClinVar:

NM_001360.3(DHCR7):c.646T>G (p.Phe216Val)

Gene: DHCR7 (7-dehydrocholesterol reductase; minus strand). Cytogenetic location: 11q13.4.
Variant type: single nucleotide variant.
Coding change: c.646T>G on transcript NM_001360.3 (MANE Select); coding-DNA position 646, T replaced by G.
Protein change: p.Phe216Val; replaces phenylalanine 216 with valine.
Molecular consequence: missense variant.
Genome position (GRCh38, 1-based): chr11:71,439,064, A>C on the plus strand (T>G on the coding strand, the complement: DHCR7 is on the minus strand). VCF-style: chr11-71439064-A-C. GRCh37 (hg19) VCF-style: chr11-71150110-A-C.
Other names: c.646T>G, p.Phe216Val (NM_001163817.2); short protein forms F216V.
Identifiers: ClinVar variation 2103016 (VCV002103016.1), dbSNP rs1366802542, ClinGen allele CA381703683.
Genomic context (GRCh38, chr11:71,439,064, plus strand): 5'-TGAAGTCAAACCACTTCCCGATCCGAGGGTTAAACTCGATGCCCATCATGTAGTTGTAAA[A>C]GAAATTGCCTGTGAATTTGCTTAAAAATATAAATAAAAGATACATTTAGTGGATGAGCAT-3'
Protein context (NP_001351.2, residues 206-226): ARDCKFTGNF[Phe216Val]YNYMMGIEFN

ClinVar aggregate classification (germline): Uncertain significance (1 of 4 stars; one submission).

Conditions:
Smith-Lemli-Opitz syndrome (SLOS). Also called: LETHAL ACRODYSGENITAL SYNDROME; POLYDACTYLY, SEX REVERSAL, RENAL HYPOPLASIA, AND UNILOBAR LUNG; RSH SYNDROME; RUTLEDGE LETHAL MULTIPLE CONGENITAL ANOMALY SYNDROME; 7-Dehydrocholesterol reductase deficiency. Identifiers: Orphanet 818, MedGen C0175694, MONDO:0010035, OMIM 270400.

Allele frequency attached by ClinVar (database versions not stated): gnomAD exomes below 0.00001.
gnomAD v4.1: 1 of 1,614,066 alleles (0.000062%); highest among the groups gnomAD compares: Admixed American, 0.0017%; no homozygotes.

Submission:

Labcorp Genetics (formerly Invitae), Labcorp
Classification: Uncertain significance for Smith-Lemli-Opitz syndrome. Last evaluated: 2022-07-27. Review status: criteria provided, single submitter. Criteria: Invitae Variant Classification Sherloc (09022015). Collection method: clinical testing. Allele origin: germline.
Comment: This sequence change replaces phenylalanine, which is neutral and non-polar, with valine, which is neutral and non-polar, at codon 216 of the DHCR7 protein (p.Phe216Val). This variant is present in population databases (no rsID available, gnomAD 0.003%). This variant has not been reported in the literature in individuals affected with DHCR7-related conditions. Algorithms developed to predict the effect of missense changes on protein structure and function (SIFT, PolyPhen-2, Align-GVGD) all suggest that this variant is likely to be tolerated. In summary, the available evidence is currently insufficient to determine the role of this variant in disease. Therefore, it has been classified as a Variant of Uncertain Significance.